The following is an entry in ClinVar:

NM_032043.3(BRIP1):c.1736G>T (p.Arg579Leu)

Gene: BRIP1 (BRCA1 interacting DNA helicase 1; minus strand). Cytogenetic location: 17q23.2.
Variant type: single nucleotide variant.
Coding change: c.1736G>T on transcript NM_032043.3 (MANE Select); coding-DNA position 1736, G replaced by T.
Protein change: p.Arg579Leu; replaces arginine 579 with leucine.
Molecular consequence: missense variant.
Genome position (GRCh38, 1-based): chr17:61,780,898, C>A on the plus strand (G>T on the coding strand, the complement: BRIP1 is on the minus strand). VCF-style: chr17-61780898-C-A. GRCh37 (hg19) VCF-style: chr17-59858259-C-A.
Other names: short protein forms R579L.
Identifiers: ClinVar variation 232842 (VCV000232842.5), dbSNP rs768224857, ClinGen allele CA10580832.

ClinVar aggregate classification (germline): Uncertain significance (1 of 4 stars; one submission).

Conditions:
Hereditary cancer-predisposing syndrome. Also called: Neoplastic Syndromes, Hereditary; Tumor predisposition; Hereditary Cancer Syndrome; Hereditary neoplastic syndrome. Identifiers: Orphanet 140162, MedGen C0027672, MeSH D009386, MONDO:0015356.

Allele frequency attached by ClinVar (database versions not stated): TOPMed below 0.00001.

Submission:

Ambry Genetics
Classification: Uncertain significance for Hereditary cancer-predisposing syndrome. Last evaluated: 2015-07-15. Review status: criteria provided, single submitter. Criteria: Ambry Variant Classification Scheme 2023. Collection method: clinical testing. Allele origin: germline.
Comment: The p.R579L variant (also known as c.1736G>T), located in coding exon 11 of the BRIP1 gene, results from a G to T substitution at nucleotide position 1736. The arginine at codon 579 is replaced by leucine, an amino acid with dissimilar properties. This variant was not reported in population based cohorts in the following databases: Database of Single Nucleotide Polymorphisms (dbSNP), NHLBI Exome Sequencing Project (ESP), and 1000 Genomes Project. In the ESP, this variant was not observed in 6503 samples (13006 alleles) with coverage at this position. To date, this alteration has been detected with an allele frequency of approximately 0.002% (greater than 65000 alleles tested) in our clinical cohort. This amino acid position is not well conserved in available vertebrate species. In addition, this alteration is predicted to be tolerated by in silico analysis. Since supporting evidence is limited at this time, the clinical significance of p.R579L remains unclear.